The following is an entry in ClinVar:

ClinVar aggregate classification (germline): Benign. Review status: criteria provided, multiple submitters, no conflicts (2 of 4 stars). 2 submissions from 2 submitters: Benign (2). Last evaluated 2018-01-13.

Conditions:
Congenital myasthenic syndrome 12 (CMS12). Also called: MYASTHENIC SYNDROME, CONGENITAL, WITH TUBULAR AGGREGATES 1; Myasthenia, congenital, 12, with tubular aggregates. Identifiers: Orphanet 353327, Orphanet 590, MedGen C3552335, MONDO:0012518, OMIM 610542.

Allele frequency attached by ClinVar (database versions not stated): gnomAD exomes 0.57143; 1000 Genomes Project 0.63838; 1000 Genomes Project 30x 0.64507; gnomAD 0.64574 and 0.65225; TOPMed 0.65186.
gnomAD v4.1: 98,101 of 151,978 alleles (65%); highest among the groups gnomAD compares: African/African-American, 83%; 32,819 homozygotes.

Submissions (2):

Illumina Laboratory Services, Illumina
Classification: Benign for Congenital myasthenic syndrome 12. Last evaluated: 2018-01-13. Review status: criteria provided, single submitter. Criteria: ICSL Variant Classification Criteria 13 December 2019. Collection method: clinical testing. Allele origin: germline.
Comment: This variant was observed in the ICSL laboratory as part of a predisposition screen in an ostensibly healthy population. It had not been previously curated by ICSL or reported in the Human Gene Mutation Database (HGMD: prior to June 1st, 2018), and was therefore a candidate for classification through an automated scoring system. Utilizing variant allele frequency, disease prevalence and penetrance estimates, and inheritance mode, an automated score was calculated to assess if this variant is too frequent to cause the disease. Based on the score and internal cut-off values, a variant classified as benign is not then subjected to further curation. The score for this variant resulted in a classification of benign for this disease.

Breakthrough Genomics
Classification: Benign. Review status: criteria provided, single submitter. Criteria: ACMG Guidelines, 2015. Collection method: not provided. Allele origin: germline. Inheritance: Autosomal recessive inheritance. Affected: yes.

NM_001244710.2(GFPT1):c.*2310A>G

Gene: GFPT1 (glutamine--fructose-6-phosphate transaminase 1; minus strand). Cytogenetic location: 2p13.3.
Variant type: single nucleotide variant.
Coding change: c.*2310A>G on transcript NM_001244710.2 (MANE Select); 2310 bases downstream of the stop codon, A replaced by G.
Molecular consequence: 3 prime UTR variant.
Genome position (GRCh38, 1-based): chr2:69,323,879, T>C on the plus strand (A>G on the coding strand, the complement: GFPT1 is on the minus strand). VCF-style: chr2-69323879-T-C. GRCh37 (hg19) VCF-style: chr2-69551011-T-C.
Other names: c.*2310A>G (NM_002056.4).
Identifiers: ClinVar variation 336839 (VCV000336839.6), dbSNP rs10198150, ClinGen allele CA10615743.
Genomic context (GRCh38, chr2:69,323,879, plus strand): 5'-GCGCACGCCACCACTCCCAGCTAATTTTTGTATTTTTAGTAAAGACGGGGTTTCACCATG[T>C]TGGCCAGGATGGTCTCGATCTCTTGACCTCATGATCAACCTGCCTCGGCCTCCCAAAGTG-3'